The following is an entry in ClinVar:

ClinVar aggregate classification (germline): Uncertain significance (1 of 4 stars; one submission).

Submission:

GeneDx
Classification: Uncertain significance. Last evaluated: 2025-07-24. Review status: criteria provided, single submitter. Criteria: GeneDx Variant Classification Process June 2021. Collection method: clinical testing. Allele origin: germline. Affected: yes.
Comment: Not observed at significant frequency in large population cohorts (gnomAD); Has not been previously published as pathogenic or benign to our knowledge; In silico analysis suggests this variant may impact gene splicing. In the absence of RNA/functional studies, the actual effect of this sequence change is unknown

NM_000142.5(FGFR3):c.831G>A (p.Val277=)

Gene: FGFR3 (fibroblast growth factor receptor 3; plus strand). Cytogenetic location: 4p16.3.
Variant type: single nucleotide variant.
Coding change: c.831G>A on transcript NM_000142.5 (MANE Select); coding-DNA position 831, G replaced by A.
Protein change: p.Val277=; no amino-acid change (valine 277 retained).
Molecular consequence: synonymous variant. On other transcripts: non-coding transcript variant (1).
Genome position (GRCh38, 1-based): chr4:1,801,926, G>A. VCF-style: chr4-1801926-G-A. GRCh37 (hg19) VCF-style: chr4-1803653-G-A.
Other names: c.831G>A, p.Val277= (NM_001163213.2, NM_001354809.2, NM_001354810.2 and 1 more transcripts).
Identifiers: ClinVar variation 4686965 (VCV004686965.1).